The following is an entry in ClinVar:

NM_005591.4(MRE11):c.371G>A (p.Ser124Asn)

Gene: MRE11 (MRE11 double strand break repair nuclease; minus strand). Cytogenetic location: 11q21.
Variant type: single nucleotide variant.
Coding change: c.371G>A on transcript NM_005591.4 (MANE Select); coding-DNA position 371, G replaced by A.
Protein change: p.Ser124Asn; replaces serine 124 with asparagine.
Molecular consequence: missense variant.
Genome position (GRCh38, 1-based): chr11:94,479,705, C>T on the plus strand (G>A on the coding strand, the complement: MRE11 is on the minus strand). VCF-style: chr11-94479705-C-T. GRCh37 (hg19) VCF-style: chr11-94212871-C-T.
Other names: c.371G>A, p.Ser124Asn (NM_001330347.2, NM_005590.4); short protein forms S124N.
Identifiers: ClinVar variation 1800371 (VCV001800371.2), dbSNP rs1555015422, ClinGen allele CA382378394.
Genomic context (GRCh38, chr11:94,479,705, plus strand): 5'-CCAACAAACTCTAAGAAAACAATAATTACCCCTGTGGGATCGTCATGATTGCCATGAATA[C>T]TAAACACTGGAATTGAAATGTTGAGGTTGCCATCTTGATAGTTCACCCATGGAAACCTTA-3'
Protein context (NP_005582.1, residues 114-134): GNLNISIPVF[Ser124Asn]IHGNHDDPTG

ClinVar aggregate classification (germline): Uncertain significance (1 of 4 stars; one submission).

Conditions:
Hereditary cancer-predisposing syndrome. Also called: Neoplastic Syndromes, Hereditary; Tumor predisposition; Hereditary Cancer Syndrome; Hereditary neoplastic syndrome. Identifiers: Orphanet 140162, MedGen C0027672, MeSH D009386, MONDO:0015356.

Submission:

Ambry Genetics
Classification: Uncertain significance for Hereditary cancer-predisposing syndrome. Last evaluated: 2018-04-17. Review status: criteria provided, single submitter. Criteria: Ambry Variant Classification Scheme 2023. Collection method: clinical testing. Allele origin: germline.
Comment: The p.S124N variant (also known as c.371G>A), located in coding exon 4 of the MRE11A gene, results from a G to A substitution at nucleotide position 371. The serine at codon 124 is replaced by asparagine, an amino acid with highly similar properties. This amino acid position is highly conserved in available vertebrate species. In addition, the in silico prediction for this alteration is inconclusive. Since supporting evidence is limited at this time, the clinical significance of this alteration remains unclear.